The following is an entry in ClinVar:

ClinVar aggregate classification (germline): Uncertain significance (1 of 4 stars; one submission).

Allele frequency attached by ClinVar (database versions not stated): gnomAD exomes below 0.00001.
gnomAD v4.1: 1 of 1,612,478 alleles (0.000062%); highest among the groups gnomAD compares: Non-Finnish European, 0.000085%; no homozygotes.

Submission:

Labcorp Genetics (formerly Invitae), Labcorp
Classification: Uncertain significance. Last evaluated: 2024-10-16. Review status: criteria provided, single submitter. Criteria: Invitae Variant Classification Sherloc (09022015). Collection method: clinical testing. Allele origin: germline.
Comment: This sequence change replaces glutamic acid, which is acidic and polar, with glycine, which is neutral and non-polar, at codon 1519 of the CPLANE1 protein (p.Glu1519Gly). This variant is not present in population databases (gnomAD no frequency). This variant has not been reported in the literature in individuals affected with CPLANE1-related conditions. ClinVar contains an entry for this variant (Variation ID: 1961481). Invitae Evidence Modeling of protein sequence and biophysical properties (such as structural, functional, and spatial information, amino acid conservation, physicochemical variation, residue mobility, and thermodynamic stability) indicates that this missense variant is not expected to disrupt CPLANE1 protein function with a negative predictive value of 95%. In summary, the available evidence is currently insufficient to determine the role of this variant in disease. Therefore, it has been classified as a Variant of Uncertain Significance.

NM_001384732.1(CPLANE1):c.4556A>G (p.Glu1519Gly)

Gene: CPLANE1 (ciliogenesis and planar polarity effector complex subunit 1; minus strand). Cytogenetic location: 5p13.2.
Variant type: single nucleotide variant.
Coding change: c.4556A>G on transcript NM_001384732.1 (MANE Select); coding-DNA position 4556, A replaced by G.
Protein change: p.Glu1519Gly; replaces glutamic acid 1519 with glycine.
Molecular consequence: missense variant.
Genome position (GRCh38, 1-based): chr5:37,183,625, T>C on the plus strand (A>G on the coding strand, the complement: CPLANE1 is on the minus strand). VCF-style: chr5-37183625-T-C. GRCh37 (hg19) VCF-style: chr5-37183727-T-C.
Other names: c.4556A>G, p.Glu1519Gly (NM_023073.4); short protein forms E1519G.
Identifiers: ClinVar variation 1961481 (VCV001961481.5), dbSNP rs2547837789, ClinGen allele CA359497871.
Genomic context (GRCh38, chr5:37,183,625, plus strand): 5'-CCTATTACAGGAAGTGTATTTTGTGATAACTTTTCATGATCTTCTTTCTTTGTAGGATTT[T>C]CTTTCTGATTACACATTTTCCTTTTATCAGTTGGCTTATGAATTGATGTTAATTCCATGT-3'
Protein context (NP_001371661.1, residues 1509-1529): TDKRKMCNQK[Glu1519Gly]NPTKKEDHEK